The following is an entry in ClinVar:

ClinVar aggregate classification (germline): Benign/Likely benign. Review status: criteria provided, multiple submitters, no conflicts (2 of 4 stars). 2 submissions from 2 submitters: Benign (1); Likely benign (1). Last evaluated 2025-01-05.

Conditions:
Hereditary cancer-predisposing syndrome. Also called: Hereditary neoplastic syndrome; Neoplastic Syndromes, Hereditary; Tumor predisposition; Hereditary Cancer Syndrome. Identifiers: Orphanet 140162, MedGen C0027672, MeSH D009386, MONDO:0015356.
Familial cancer of breast. Also called: BREAST CANCER, FAMILIAL; Hereditary breast cancer; hereditary breast carcinoma. Identifiers: Orphanet 227535, MedGen C0346153, MONDO:0016419, OMIM 114480. Disease mechanism: loss of function.

Allele frequency attached by ClinVar (database versions not stated): gnomAD exomes below 0.00001.
gnomAD v4.1: 1 of 1,612,234 alleles (0.000062%); highest among the groups gnomAD compares: South Asian, 0.0011%; no homozygotes.

Submissions (2):

Ambry Genetics
Classification: Likely benign for Hereditary cancer-predisposing syndrome. Last evaluated: 2025-01-05. Review status: criteria provided, single submitter. Criteria: Ambry Variant Classification Scheme 2023. Collection method: clinical testing. Allele origin: germline.

Myriad Genetics, Inc.
Classification: Benign for Familial cancer of breast. Last evaluated: 2024-04-24. Review status: criteria provided, single submitter. Criteria: Myriad Autosomal Dominant, Autosomal Recessive and X-Linked Classification Criteria (2023). Collection method: clinical testing. Allele origin: unknown.
Comment: This variant is considered benign. This variant is a silent/synonymous amino acid change and it is not expected to impact splicing.

NM_000051.4(ATM):c.930T>C (p.Ser310=)

Gene: ATM (ATM serine/threonine kinase; plus strand). Cytogenetic location: 11q22.3.
Variant type: single nucleotide variant.
Coding change: c.930T>C on transcript NM_000051.4 (MANE Select); coding-DNA position 930, T replaced by C.
Protein change: p.Ser310=; no amino-acid change (serine 310 retained).
Molecular consequence: synonymous variant.
Genome position (GRCh38, 1-based): chr11:108,246,992, T>C. VCF-style: chr11-108246992-T-C. GRCh37 (hg19) VCF-style: chr11-108117719-T-C.
Other names: c.930T>C, p.Ser310= (NM_001351834.2).
Identifiers: ClinVar variation 3253762 (VCV003253762.2), dbSNP rs2135265226.
Genomic context (GRCh38, chr11:108,246,992, plus strand): 5'-TAAAAATTACATTTTAATTTTTTGGATTACAGGTGCTTATGAATCAACAAAATGGAGAAG[T>C]ATTTTATACAACTTATATGATCTGCTAGTGAATGAGATAAGTCATATAGGAAGTAGAGGA-3'
Protein context (NP_000042.3, residues 300-320): KGAYESTKWR[Ser310=]ILYNLYDLLV